The following is an entry in ClinVar:

NM_024513.4(FYCO1):c.3367A>G (p.Met1123Val)

Gene: FYCO1 (FYVE and coiled-coil domain autophagy adaptor 1; minus strand). Cytogenetic location: 3p21.31.
Variant type: single nucleotide variant.
Coding change: c.3367A>G on transcript NM_024513.4 (MANE Select); coding-DNA position 3367, A replaced by G.
Protein change: p.Met1123Val; replaces methionine 1123 with valine.
Molecular consequence: missense variant. On other transcripts: non-coding transcript variant (1).
Genome position (GRCh38, 1-based): chr3:45,962,295, T>C on the plus strand (A>G on the coding strand, the complement: FYCO1 is on the minus strand). VCF-style: chr3-45962295-T-C. GRCh37 (hg19) VCF-style: chr3-46003787-T-C.
Other names: c.3367A>G, p.Met1123Val (NM_001386421.1, NM_001386422.1, NM_001386423.1 and 4 more transcripts); c.3247A>G, p.Met1083Val (NM_001386426.1); c.3223A>G, p.Met1075Val (NM_001386427.1); c.2767A>G, p.Met923Val (NM_001386430.1); short protein forms M1075V, M1083V, M923V, M1123V.
Identifiers: ClinVar variation 2708574 (VCV002708574.3), dbSNP rs1331477914, ClinGen allele CA352451001.

ClinVar aggregate classification (germline): Uncertain significance (1 of 4 stars; one submission).

Conditions:
Cataract 18 (CATC2). Also called: CATARACT 18, AUTOSOMAL RECESSIVE. Identifiers: Orphanet 91492, Orphanet 98991, Orphanet 98992, Orphanet 98995, MedGen C1864908, MONDO:0012395, OMIM 610019.

Allele frequency attached by ClinVar (database versions not stated): gnomAD exomes 0.00001; gnomAD 0.00005; TOPMed 0.00007.

Submission:

Labcorp Genetics (formerly Invitae), Labcorp
Classification: Uncertain significance for Cataract 18. Last evaluated: 2024-11-05. Review status: criteria provided, single submitter. Criteria: Invitae Variant Classification Sherloc (09022015). Collection method: clinical testing. Allele origin: germline.
Comment: This sequence change replaces methionine, which is neutral and non-polar, with valine, which is neutral and non-polar, at codon 1123 of the FYCO1 protein (p.Met1123Val). This variant is present in population databases (no rsID available, gnomAD 0.02%). This variant has not been reported in the literature in individuals affected with FYCO1-related conditions. ClinVar contains an entry for this variant (Variation ID: 2708574). Invitae Evidence Modeling of protein sequence and biophysical properties (such as structural, functional, and spatial information, amino acid conservation, physicochemical variation, residue mobility, and thermodynamic stability) indicates that this missense variant is expected to disrupt FYCO1 protein function with a positive predictive value of 80%. In summary, the available evidence is currently insufficient to determine the role of this variant in disease. Therefore, it has been classified as a Variant of Uncertain Significance.